The following is an entry in ClinVar:

ClinVar aggregate classification (germline): Pathogenic (1 of 4 stars; one submission).

Submission:

Labcorp Genetics (formerly Invitae), Labcorp
Classification: Pathogenic. Last evaluated: 2021-06-19. Review status: criteria provided, single submitter. Criteria: Invitae Variant Classification Sherloc (09022015). Collection method: clinical testing. Allele origin: germline.
Comment: This variant is a gross deletion of the genomic region encompassing exon(s) 1-12 of the MCPH1 gene, which includes the initiator codon. The 5' end of this event is unknown as it extends beyond the assayed region for this gene and therefore may encompass additional genes. The 3' boundary is likely confined to intron 12 of the MCPH1 gene. It is expected to result in an absent or disrupted protein product. Loss-of-function variants in MCPH1 are known to be pathogenic (PMID: 20978018). This variant has not been reported in the literature in individuals with MCPH1-related conditions. For these reasons, this variant has been classified as Pathogenic.

Literature cited by the submitters: PubMed 20978018.

NC_000008.10:g.(?_6264189)_(6420455_?)del

Genes: ANGPT2 (angiopoietin 2; minus strand), MCPH1 (microcephalin 1; plus strand). Cytogenetic location: 8p23.1.
Variant type: Deletion.
Identifiers: ClinVar variation 1456804 (VCV001456804.3).